The following is an entry in ClinVar:

ClinVar aggregate classification (germline): Uncertain significance (1 of 4 stars; one submission).

Submission:

GeneDx
Classification: Uncertain significance. Last evaluated: 2026-02-24. Review status: criteria provided, single submitter. Criteria: GeneDx Variant Classification Process June 2021. Collection method: clinical testing. Allele origin: germline.
Comment: Not observed at significant frequency in large population cohorts (gnomAD); In silico analysis suggests that this missense variant does not alter protein structure/function; Has not been previously published as pathogenic or benign to our knowledge

NM_000052.7(ATP7A):c.107T>C (p.Val36Ala)

Gene: ATP7A (ATPase copper transporting alpha; plus strand). Cytogenetic location: Xq21.1.
Variant type: single nucleotide variant.
Coding change: c.107T>C on transcript NM_000052.7 (MANE Select); coding-DNA position 107, T replaced by C.
Protein change: p.Val36Ala; replaces valine 36 with alanine.
Molecular consequence: missense variant. On other transcripts: non-coding transcript variant (1).
Genome position (GRCh38, 1-based): chrX:77,971,748, T>C. VCF-style: chrX-77971748-T-C. GRCh37 (hg19) VCF-style: chrX-77227245-T-C.
Other names: c.107T>C, p.Val36Ala (NM_001282224.2); short protein forms V36A.
Identifiers: ClinVar variation 4976532 (VCV004976532.1).